The following is an entry in ClinVar:

NM_020806.5(GPHN):c.1073C>G (p.Ser358Cys)

Gene: GPHN (gephyrin; plus strand). Cytogenetic location: 14q23.3.
Variant type: single nucleotide variant.
Coding change: c.1073C>G on transcript NM_020806.5 (MANE Select); coding-DNA position 1073, C replaced by G.
Protein change: p.Ser358Cys; replaces serine 358 with cysteine.
Molecular consequence: missense variant.
Genome position (GRCh38, 1-based): chr14:67,058,715, C>G. VCF-style: chr14-67058715-C-G. GRCh37 (hg19) VCF-style: chr14-67525432-C-G.
Other names: c.974C>G, p.Ser325Cys (NM_001024218.2); c.1133C>G, p.Ser378Cys (NM_001377514.1); c.1103C>G, p.Ser368Cys (NM_001377515.1); c.1094C>G, p.Ser365Cys (NM_001377516.1); c.1046C>G, p.Ser349Cys (NM_001377517.1); c.1031C>G, p.Ser344Cys (NM_001377518.1); c.1013C>G, p.Ser338Cys (NM_001377519.1); short protein forms S338C, S349C, S325C, S344C, S365C, S358C, S368C, S378C.
Identifiers: ClinVar variation 2126519 (VCV002126519.4), dbSNP rs2542613318, ClinGen allele CA390258297.

ClinVar aggregate classification (germline): Uncertain significance (1 of 4 stars; one submission).

Conditions:
Sulfite oxidase deficiency due to molybdenum cofactor deficiency type C. Also called: Molybdenum cofactor deficiency, complementation group C; Molybdenum cofactor deficiency C. Identifiers: Orphanet 308400, Orphanet 833, MedGen C1854990, MONDO:0014212, OMIM 615501.

Submission:

Labcorp Genetics (formerly Invitae), Labcorp
Classification: Uncertain significance for Sulfite oxidase deficiency due to molybdenum cofactor deficiency type C. Last evaluated: 2022-04-15. Review status: criteria provided, single submitter. Criteria: Invitae Variant Classification Sherloc (09022015). Collection method: clinical testing. Allele origin: germline.
Comment: In summary, the available evidence is currently insufficient to determine the role of this variant in disease. Therefore, it has been classified as a Variant of Uncertain Significance. Algorithms developed to predict the effect of missense changes on protein structure and function are either unavailable or do not agree on the potential impact of this missense change (SIFT: "Deleterious"; PolyPhen-2: "Probably Damaging"; Align-GVGD: "Class C0"). This variant has not been reported in the literature in individuals affected with GPHN-related conditions. This variant is not present in population databases (gnomAD no frequency). This sequence change replaces serine, which is neutral and polar, with cysteine, which is neutral and slightly polar, at codon 358 of the GPHN protein (p.Ser358Cys).